The following is an entry in ClinVar:

ClinVar aggregate classification (germline): Uncertain significance (1 of 4 stars; one submission).

gnomAD v4.1: 10 of 1,613,668 alleles (0.00062%); highest among the groups gnomAD compares: Admixed American, 0.0017%; no homozygotes.

Submission:

GeneDx
Classification: Uncertain significance. Last evaluated: 2025-05-30. Review status: criteria provided, single submitter. Criteria: GeneDx Variant Classification Process June 2021. Collection method: clinical testing. Allele origin: germline. Affected: yes.
Comment: In silico analysis suggests that this missense variant does not alter protein structure/function; Reported using an alternate transcript of the gene; Has not been previously published as pathogenic or benign to our knowledge

NM_001377265.1(MAPT):c.1216C>T (p.Pro406Ser)

Gene: MAPT (microtubule associated protein tau). Cytogenetic location: 17q21.31.
Variant type: single nucleotide variant.
Coding change: c.1216C>T on transcript NM_001377265.1 (MANE Select); coding-DNA position 1216, C replaced by T.
Protein change: p.Pro406Ser; replaces proline 406 with serine.
Molecular consequence: missense variant. On other transcripts: intron variant (8).
Genome position (GRCh38, 1-based): chr17:45,983,795, C>T. VCF-style: chr17-45983795-C-T. GRCh37 (hg19) VCF-style: chr17-44061161-C-T.
Other names: c.991C>T, p.Pro331Ser (NM_001123066.4, NM_016835.5); c.1216C>T, p.Pro406Ser (NM_001377266.1); c.200-3245C>T (NM_001377268.1, NM_016834.5, NM_016841.5); c.374-3245C>T (NM_005910.6, NM_001203252.2); c.287-3245C>T (NM_001123067.4, NM_001203251.2, NM_001377267.1); short protein forms P331S, P406S.
Identifiers: ClinVar variation 4532438 (VCV004532438.1).